The following is an entry in ClinVar:

ClinVar aggregate classification (germline): Uncertain significance (1 of 4 stars; one submission).

Allele frequency attached by ClinVar (database versions not stated): gnomAD exomes below 0.00001; gnomAD 0.00001.
gnomAD v4.1: 2 of 1,613,218 alleles (0.00012%); highest among the groups gnomAD compares: South Asian, 0.0022%; no homozygotes.

Submission:

Ambry Genetics
Classification: Uncertain significance. Last evaluated: 2021-09-15. Review status: criteria provided, single submitter. Criteria: Ambry Variant Classification Scheme 2023. Collection method: clinical testing. Allele origin: germline.
Comment: The p.V221M variant (also known as c.661G>A), located in coding exon 3 of the MYOM1 gene, results from a G to A substitution at nucleotide position 661. The valine at codon 221 is replaced by methionine, an amino acid with highly similar properties. This amino acid position is conserved. In addition, this alteration is predicted to be tolerated by in silico analysis. Since supporting evidence is limited at this time, the clinical significance of this alteration remains unclear.

NM_003803.4(MYOM1):c.661G>A (p.Val221Met)

Gene: MYOM1 (myomesin 1; minus strand). Cytogenetic location: 18p11.31.
Variant type: single nucleotide variant.
Coding change: c.661G>A on transcript NM_003803.4 (MANE Select); coding-DNA position 661, G replaced by A.
Protein change: p.Val221Met; replaces valine 221 with methionine.
Molecular consequence: missense variant.
Genome position (GRCh38, 1-based): chr18:3,188,858, C>T on the plus strand (G>A on the coding strand, the complement: MYOM1 is on the minus strand). VCF-style: chr18-3188858-C-T. GRCh37 (hg19) VCF-style: chr18-3188856-C-T.
Other names: c.661G>A, p.Val221Met (NM_019856.2); short protein forms V221M.
Identifiers: ClinVar variation 1754513 (VCV001754513.2), dbSNP rs2080861803, ClinGen allele CA401716636.